The following is an entry in ClinVar:

ClinVar aggregate classification (germline): Conflicting classifications of pathogenicity. Review status: criteria provided, conflicting classifications (1 of 4 stars). 2 submissions from 2 submitters: Uncertain significance (1); Likely benign (1). Last evaluated 2025-02-12.

Conditions:
Autosomal dominant intellectual disability-craniofacial anomalies-cardiac defects syndrome (ARTHS). Also called: KAT6A syndrome; Mental retardation, autosomal dominant 32; Arboleda-Tham syndrome. Identifiers: Orphanet 457193, MedGen C4225396, MONDO:0014558, OMIM 616268.

Allele frequency attached by ClinVar (database versions not stated): gnomAD 0.00001.
gnomAD v4.1: 26 of 1,614,058 alleles (0.0016%); highest among the groups gnomAD compares: South Asian, 0.026%; no homozygotes.

Submissions (2):

Labcorp Genetics (formerly Invitae), Labcorp
Classification: Likely benign. Last evaluated: 2025-02-12. Review status: criteria provided, single submitter. Criteria: Invitae Variant Classification Sherloc (09022015). Collection method: clinical testing. Allele origin: germline.

New York Genome Center
Classification: Uncertain significance for Autosomal dominant intellectual disability-craniofacial anomalies-cardiac defects syndrome. Last evaluated: 2021-03-01. Review status: criteria provided, single submitter. Criteria: NYGC Assertion Criteria 2020. Collection method: clinical testing. Allele origin: inherited. Observed: 1 heterozygote. Study: CSER-NYCKidSeq.
Comment: The inherited heterozygous c.2696A>G (p.Tyr899Cys) variant identified in the KAT6A gene has not been not reported in affected individuals in the literature. The variant has been reported once in the gnomAD(v3) database (1 out of 152,170 heterozygous alleles) suggesting it is not a common benign allele in the populations represented in that database. The variant affects a moderately conserved residue and in silico tools provide conflicting predictions about potential pathogenicity of this variant [CADD score = 21.8, REVEL score = 0.059]. Based on the available evidence, the inherited heterozygous c.2696A>G (p.Tyr899Cys) variant identified in the KAT6A gene is reported as a variant of uncertain significance.

NM_006766.5(KAT6A):c.2696A>G (p.Tyr899Cys)

Gene: KAT6A (lysine acetyltransferase 6A; minus strand). Cytogenetic location: 8p11.21.
Variant type: single nucleotide variant.
Coding change: c.2696A>G on transcript NM_006766.5 (MANE Select); coding-DNA position 2696, A replaced by G.
Protein change: p.Tyr899Cys; replaces tyrosine 899 with cysteine.
Molecular consequence: missense variant.
Genome position (GRCh38, 1-based): chr8:41,941,185, T>C on the plus strand (A>G on the coding strand, the complement: KAT6A is on the minus strand). VCF-style: chr8-41941185-T-C. GRCh37 (hg19) VCF-style: chr8-41798703-T-C.
Other names: short protein forms Y899C.
Identifiers: ClinVar variation 1342656 (VCV001342656.4), dbSNP rs745933378, ClinGen allele CA4729854.